The following is an entry in ClinVar:

NM_002439.5(MSH3):c.2254-1G>C

Gene: MSH3 (mutS homolog 3; plus strand). Cytogenetic location: 5q14.1.
Variant type: single nucleotide variant.
Coding change: c.2254-1G>C on transcript NM_002439.5 (MANE Select); the canonical splice acceptor site of the intron before coding-DNA position 2254, G replaced by C.
Molecular consequence: splice acceptor variant.
Genome position (GRCh38, 1-based): chr5:80,775,693, G>C. VCF-style: chr5-80775693-G-C. GRCh37 (hg19) VCF-style: chr5-80071512-G-C.
Other names: c.2254-1G>C (NM_002439.3).
Identifiers: ClinVar variation 1464807 (VCV001464807.9), dbSNP rs2112890103, ClinGen allele CA360280644.

ClinVar aggregate classification (germline): Likely pathogenic. Review status: criteria provided, multiple submitters, no conflicts (2 of 4 stars). 2 submissions from 2 submitters: Likely pathogenic (2). Last evaluated 2023-10-25.

Conditions:
Hereditary cancer-predisposing syndrome. Also called: Tumor predisposition; Hereditary neoplastic syndrome; Hereditary Cancer Syndrome; Neoplastic Syndromes, Hereditary. Identifiers: Orphanet 140162, MedGen C0027672, MeSH D009386, MONDO:0015356.

Submissions (2):

Ambry Genetics
Classification: Likely pathogenic for Hereditary cancer-predisposing syndrome. Last evaluated: 2023-10-25. Review status: criteria provided, single submitter. Criteria: Ambry Variant Classification Scheme 2023. Collection method: clinical testing. Allele origin: germline.
Comment: The c.2254-1G>C intronic variant results from a G to C substitution one nucleotide upstream from coding exon 16 of the MSH3 gene. This nucleotide position is highly conserved in available vertebrate species. In silico splice site analysis predicts that this alteration will weaken the native splice acceptor site and will result in the creation or strengthening of a novel splice acceptor site. Alterations that disrupt the canonical splice site are expected to cause aberrant splicing, resulting in an abnormal protein or a transcript that is subject to nonsense-mediated mRNA decay. As such, this alteration is classified as likely pathogenic.

Labcorp Genetics (formerly Invitae), Labcorp
Classification: Likely pathogenic. Last evaluated: 2021-01-20. Review status: criteria provided, single submitter. Criteria: Invitae Variant Classification Sherloc (09022015). Collection method: clinical testing. Allele origin: germline.
Comment: In summary, the currently available evidence indicates that the variant is pathogenic, but additional data are needed to prove that conclusively. Therefore, this variant has been classified as Likely Pathogenic. Algorithms developed to predict the effect of sequence changes on RNA splicing suggest that this variant may disrupt the consensus splice site, but this prediction has not been confirmed by published transcriptional studies. This variant has not been reported in the literature in individuals with MSH3-related conditions. This variant is not present in population databases (ExAC no frequency). This sequence change affects an acceptor splice site in intron 15 of the MSH3 gene. It is expected to disrupt RNA splicing. Variants that disrupt the donor or acceptor splice site typically lead to a loss of protein function (PMID: 16199547), and loss-of-function variants in MSH3 are known to be pathogenic (PMID: 27476653).

Literature cited by the submitters: PubMed 16199547 (cited by Labcorp Genetics (formerly Invitae), Labcorp); PubMed 27476653 (cited by Labcorp Genetics (formerly Invitae), Labcorp).